The following is an entry in ClinVar:

NM_001379500.1(COL18A1):c.3809+4G>A

Genes: COL18A1 (collagen type XVIII alpha 1 chain; plus strand), SLC19A1 (solute carrier family 19 member 1; minus strand). Cytogenetic location: 21q22.3.
Variant type: single nucleotide variant.
Coding change: c.3809+4G>A on transcript NM_001379500.1 (MANE Select); 4 bases into the intron after coding-DNA position 3809, G replaced by A.
Molecular consequence: intron variant.
Genome position (GRCh38, 1-based): chr21:45,511,230, G>A. VCF-style: chr21-45511230-G-A. GRCh37 (hg19) VCF-style: chr21-46931144-G-A.
Other names: c.5054+4G>A (NM_130444.3); c.4349+4G>A (NM_030582.4).
Identifiers: ClinVar variation 3384928 (VCV003384928.1).

ClinVar aggregate classification (germline): Uncertain significance (1 of 4 stars; one submission).

gnomAD v4.1: 33 of 1,508,492 alleles (0.0022%); highest among the groups gnomAD compares: Non-Finnish European, 0.003%; no homozygotes.

Submission:

Women's Health and Genetics/Laboratory Corporation of America, LabCorp
Classification: Uncertain significance. Last evaluated: 2024-10-04. Review status: criteria provided, single submitter. Criteria: LabCorp Variant Classification Summary - May 2015. Collection method: clinical testing. Allele origin: germline.
Comment: Variant summary: COL18A1 c.3809+4G>A alters a non-conserved nucleotide located close to a canonical splice site and therefore could affect mRNA splicing, leading to a significantly altered protein sequence. Consensus agreement among computation tools predict no significant impact on normal splicing. However, these predictions have yet to be confirmed by functional studies. The variant was absent in 181738 control chromosomes (gnomAD). The available data on variant occurrences in the general population are insufficient to allow any conclusion about variant significance. To our knowledge, no occurrence of c.3809+4G>A in individuals affected with Knobloch Syndrome 1 and no experimental evidence demonstrating its impact on protein function have been reported. No submitters have cited clinical-significance assessments for this variant to ClinVar. Based on the evidence outlined above, the variant was classified as uncertain significance.